The following is an entry in ClinVar:

ClinVar aggregate classification (germline): Uncertain significance (1 of 4 stars; one submission).

Conditions:
Inborn genetic diseases. Identifiers: MedGen C0950123, MeSH D030342.

Submission:

Ambry Genetics
Classification: Uncertain significance for Inborn genetic diseases. Last evaluated: 2026-07-03. Review status: criteria provided, single submitter. Criteria: Ambry Variant Classification Scheme 2023. Collection method: clinical testing. Allele origin: germline.
Comment: The p.F446S variant (also known as c.1337T>C), located in coding exon 10 of the BMPR2 gene, results from a T to C substitution at nucleotide position 1337. The phenylalanine at codon 446 is replaced by serine, an amino acid with highly dissimilar properties. This amino acid position is conserved. In addition, this alteration is predicted to be deleterious by in silico analysis. Based on the available evidence, the clinical significance of this variant remains unclear.

NM_001204.7(BMPR2):c.1337T>C (p.Phe446Ser)

Gene: BMPR2 (bone morphogenetic protein receptor type 2; plus strand). Cytogenetic location: 2q33.2.
Variant type: single nucleotide variant.
Coding change: c.1337T>C on transcript NM_001204.7 (MANE Select); coding-DNA position 1337, T replaced by C.
Protein change: p.Phe446Ser; replaces phenylalanine 446 with serine.
Molecular consequence: missense variant.
Genome position (GRCh38, 1-based): chr2:202,542,371, T>C. VCF-style: chr2-202542371-T-C. GRCh37 (hg19) VCF-style: chr2-203407094-T-C.
Other names: short protein forms F446S.
Identifiers: ClinVar variation 5033075 (VCV005033075.1).